The following is an entry in ClinVar:

ClinVar aggregate classification (germline): Likely benign. Review status: criteria provided, multiple submitters, no conflicts (2 of 4 stars). 2 submissions from 2 submitters: Likely benign (2). Last evaluated 2026-09-01.

Conditions:
Glycogen storage disease IXb (GSD9B). Also called: GLYCOGENOSIS OF LIVER AND MUSCLE, AUTOSOMAL RECESSIVE; GSD IXb; PHOSPHORYLASE KINASE DEFICIENCY OF LIVER AND MUSCLE, AUTOSOMAL RECESSIVE. Identifiers: Orphanet 79240, MedGen C0543514, MONDO:0009868, OMIM 261750.

Allele frequency attached by ClinVar (database versions not stated): TOPMed 0.00002; gnomAD 0.00003; gnomAD exomes 0.00003 and 0.00005; ExAC 0.00007; ESP Exome Variant Server 0.00008.
gnomAD v4.1: 43 of 1,613,476 alleles (0.0027%); highest among the groups gnomAD compares: Non-Finnish European, 0.0034%; no homozygotes.

Submissions (2):

CeGaT Center for Human Genetics Tuebingen
Classification: Likely benign. Last evaluated: 2026-09-01. Review status: criteria provided, single submitter. Criteria: CeGaT Center For Human Genetics Tuebingen Variant Classification Criteria Version 2. Collection method: clinical testing. Allele origin: germline. Affected: yes. Observed: 2 variant alleles.
Comment: PHKB: BP4, BP7

Labcorp Genetics (formerly Invitae), Labcorp
Classification: Likely benign for Glycogen storage disease IXb. Last evaluated: 2025-12-14. Review status: criteria provided, single submitter. Criteria: Invitae Variant Classification Sherloc (09022015). Collection method: clinical testing. Allele origin: germline.

NM_000293.3(PHKB):c.447T>C (p.Leu149=)

Gene: PHKB (phosphorylase kinase regulatory subunit beta; plus strand). Cytogenetic location: 16q12.1.
Variant type: single nucleotide variant.
Coding change: c.447T>C on transcript NM_000293.3 (MANE Select); coding-DNA position 447, T replaced by C.
Protein change: p.Leu149=; no amino-acid change (leucine 149 retained).
Molecular consequence: synonymous variant.
Genome position (GRCh38, 1-based): chr16:47,511,706, T>C. VCF-style: chr16-47511706-T-C. GRCh37 (hg19) VCF-style: chr16-47545617-T-C.
Other names: c.426T>C, p.Leu142= (NM_001031835.3); c.447T>C, p.Leu149= (NM_001363837.1).
Identifiers: ClinVar variation 1590017 (VCV001590017.10), dbSNP rs374963473, ClinGen allele CA8040490.